The following is an entry in ClinVar:

ClinVar aggregate classification (germline): Likely benign (0 of 4 stars; one submission).

Conditions:
DRD4-related disorder. Also called: DRD4-related condition.

Allele frequency attached by ClinVar (database versions not stated): gnomAD 0.00002; TOPMed 0.00002.
gnomAD v4.1: 18 of 1,543,440 alleles (0.0012%); highest among the groups gnomAD compares: Non-Finnish European, 0.0015%; no homozygotes.

Submission:

PreventionGenetics, part of Exact Sciences
Classification: Likely benign for DRD4-related condition. Last evaluated: 2019-04-24. Review status: no assertion criteria provided. Collection method: clinical testing. Allele origin: germline.
Comment: This variant is classified as likely benign based on ACMG/AMP sequence variant interpretation guidelines (Richards et al. 2015 PMID: 25741868, with internal and published modifications).

NM_000797.4(DRD4):c.285+7C>T

Gene: DRD4 (dopamine receptor D4; plus strand). Cytogenetic location: 11p15.5.
Variant type: single nucleotide variant.
Coding change: c.285+7C>T on transcript NM_000797.4 (MANE Select); 7 bases into the intron after coding-DNA position 285, C replaced by T.
Molecular consequence: intron variant.
Genome position (GRCh38, 1-based): chr11:637,596, C>T. VCF-style: chr11-637596-C-T. GRCh37 (hg19) VCF-style: chr11-637596-C-T.
Identifiers: ClinVar variation 3045465 (VCV003045465.2), dbSNP rs1302794889, ClinGen allele CA597020851.